The following is an entry in ClinVar:

NM_031407.7(HUWE1):c.3662C>T (p.Ser1221Leu)

Genes: HUWE1 (HECT, UBA and WWE domain containing E3 ubiquitin protein ligase 1; minus strand), LOC126863263 (BRD4-independent group 4 enhancer GRCh37_chrX:53619238-53620437; plus strand). Cytogenetic location: Xp11.22.
Variant type: single nucleotide variant.
Coding change: c.3662C>T on transcript NM_031407.7 (MANE Select); coding-DNA position 3662, C replaced by T.
Protein change: p.Ser1221Leu; replaces serine 1221 with leucine.
Molecular consequence: missense variant.
Genome position (GRCh38, 1-based): chrX:53,593,443, G>A on the plus strand (C>T on the coding strand, the complement: HUWE1 is on the minus strand). VCF-style: chrX-53593443-G-A. GRCh37 (hg19) VCF-style: chrX-53620403-G-A.
Other names: c.3662C>T, p.Ser1221Leu (NM_001441048.1, NM_001441049.1, NM_001441051.1 and 6 more transcripts); c.3683C>T, p.Ser1228Leu (NM_001441050.1, NM_001441055.1); short protein forms S1221L, S1228L.
Identifiers: ClinVar variation 4693273 (VCV004693273.1).

ClinVar aggregate classification (germline): Uncertain significance (1 of 4 stars; one submission).

gnomAD v4.1: 5 of 1,211,143 alleles (0.00041%); highest among the groups gnomAD compares: Non-Finnish European, 0.00056%; no homozygotes.

Submission:

Labcorp Genetics (formerly Invitae), Labcorp
Classification: Uncertain significance. Last evaluated: 2025-07-06. Review status: criteria provided, single submitter. Criteria: Invitae Variant Classification Sherloc (09022015). Collection method: clinical testing. Allele origin: germline.
Comment: This sequence change replaces serine, which is neutral and polar, with leucine, which is neutral and non-polar, at codon 1221 of the HUWE1 protein (p.Ser1221Leu). This variant is present in population databases (no rsID available, gnomAD 0.004%), including at least one homozygous and/or hemizygous individual. This variant has not been reported in the literature in individuals affected with HUWE1-related conditions. Invitae Evidence Modeling of protein sequence and biophysical properties (such as structural, functional, and spatial information, amino acid conservation, physicochemical variation, residue mobility, and thermodynamic stability) has been performed for this missense variant. However, the output from this modeling did not meet the statistical confidence thresholds required to predict the impact of this variant on HUWE1 protein function. In summary, the available evidence is currently insufficient to determine the role of this variant in disease. Therefore, it has been classified as a Variant of Uncertain Significance.